The following is an entry in ClinVar:

NM_053025.4(MYLK):c.3122C>T (p.Ala1041Val)

Gene: MYLK (myosin light chain kinase; minus strand). Cytogenetic location: 3q21.1.
Variant type: single nucleotide variant.
Coding change: c.3122C>T on transcript NM_053025.4 (MANE Select); coding-DNA position 3122, C replaced by T.
Protein change: p.Ala1041Val; replaces alanine 1041 with valine.
Molecular consequence: missense variant.
Genome position (GRCh38, 1-based): chr3:123,700,346, G>A on the plus strand (C>T on the coding strand, the complement: MYLK is on the minus strand). VCF-style: chr3-123700346-G-A. GRCh37 (hg19) VCF-style: chr3-123419193-G-A.
Other names: c.2594C>T, p.Ala865Val (NM_001321309.2); c.2915C>T, p.Ala972Val (NM_053026.4, NM_053028.4); c.3122C>T, p.Ala1041Val (NM_053027.4); short protein forms A1041V, A865V, A972V.
Identifiers: ClinVar variation 3368560 (VCV003368560.1).

ClinVar aggregate classification (germline): Uncertain significance (1 of 4 stars; one submission).

Submission:

GeneDx
Classification: Uncertain significance. Last evaluated: 2024-02-01. Review status: criteria provided, single submitter. Criteria: GeneDx Variant Classification Process June 2021. Collection method: clinical testing. Allele origin: germline. Affected: yes.
Comment: Has not been previously published as pathogenic or benign to our knowledge; Not observed at significant frequency in large population cohorts (gnomAD); In silico analysis supports that this missense variant does not alter protein structure/function